The following is an entry in ClinVar:

NM_033305.3(VPS13A):c.1453-15C>T

Gene: VPS13A (vacuolar protein sorting 13 homolog A; plus strand). Cytogenetic location: 9q21.2.
Variant type: single nucleotide variant.
Coding change: c.1453-15C>T on transcript NM_033305.3 (MANE Select); 15 bases into the intron before coding-DNA position 1453, C replaced by T.
Molecular consequence: intron variant.
Genome position (GRCh38, 1-based): chr9:77,228,107, C>T. VCF-style: chr9-77228107-C-T. GRCh37 (hg19) VCF-style: chr9-79843023-C-T.
Other names: c.1453-15C>T (NM_001018037.2, NM_015186.4, NM_001018038.3).
Identifiers: ClinVar variation 367354 (VCV000367354.9), dbSNP rs200334710, ClinGen allele CA5091699.
Genomic context (GRCh38, chr9:77,228,107, plus strand): 5'-AATGTACTATAAGAATATTTGTTATGCTTATATATATATATATGTTTTCATTTTATTCTT[C>T]TGAATATACCTTAGTTTGAAGCCTTGAAGTTTTTTGTCCACTTGAAAAGTATGTCTATTG-3'

ClinVar aggregate classification (germline): Benign/Likely benign. Review status: criteria provided, multiple submitters, no conflicts (2 of 4 stars). 2 submissions from 2 submitters: Benign (1); Likely benign (1). Last evaluated 2026-01-25.

Conditions:
VPS13A-related neurodegenerative disease. Also called: Choreoacanthocytosis; Chorea-acanthocytosis; LEVINE-CRITCHLEY SYNDROME; Choreaacanthocytosis; ACANTHOCYTOSIS WITH NEUROLOGIC DISORDER; VPS13A Disease. Identifiers: Orphanet 2388, MedGen C0393576, MONDO:0008695, OMIM 200150.

Allele frequency attached by ClinVar (database versions not stated): ESP Exome Variant Server 0.00016; gnomAD 0.00020 and 0.00032; TOPMed 0.00023; gnomAD exomes 0.00051 and 0.00095; 1000 Genomes Project 30x 0.00094; 1000 Genomes Project 0.00120; ExAC 0.00210.
gnomAD v4.1: 773 of 1,553,640 alleles (0.05%); highest among the groups gnomAD compares: South Asian, 0.49%; 6 homozygotes.

Submissions (2):

Labcorp Genetics (formerly Invitae), Labcorp
Classification: Benign. Last evaluated: 2026-01-25. Review status: criteria provided, single submitter. Criteria: Invitae Variant Classification Sherloc (09022015). Collection method: clinical testing. Allele origin: germline.

Illumina Laboratory Services, Illumina
Classification: Likely benign for VPS13A-related neurodegenerative disease. Last evaluated: 2018-01-12. Review status: criteria provided, single submitter. Criteria: ICSL Variant Classification Criteria 13 December 2019. Collection method: clinical testing. Allele origin: germline.
Comment: This variant was observed in the ICSL laboratory as part of a predisposition screen in an ostensibly healthy population. It had not been previously curated by ICSL or reported in the Human Gene Mutation Database (HGMD: prior to June 1st, 2018), and was therefore a candidate for classification through an automated scoring system. Utilizing variant allele frequency, disease prevalence and penetrance estimates, and inheritance mode, an automated score was calculated to assess if this variant is too frequent to cause the disease. Based on the score and internal cut-off values, a variant classified as likely benign is not then subjected to further curation. The score for this variant resulted in a classification of likely benign for this disease.